The following is an entry in ClinVar:

ClinVar aggregate classification (germline): Uncertain significance. Review status: criteria provided, single submitter (1 of 4 stars). 2 submissions from 2 submitters: Uncertain significance (1). 1 of the submissions does not count toward it. Last evaluated 2011-12-13.

Conditions:
Usher syndrome type 1 (USH1). Also called: RETINITIS PIGMENTOSA AND CONGENITAL DEAFNESS. Identifiers: Orphanet 231169, Orphanet 886, MedGen C1568247, MONDO:0010168, OMIM 276900.
Autosomal recessive nonsyndromic hearing loss 2. Also called: DEAFNESS, AUTOSOMAL RECESSIVE 2; NEUROSENSORY NONSYNDROMIC RECESSIVE DEAFNESS 2. Identifiers: Orphanet 90636, MedGen C1838701, MONDO:0010807, OMIM 600060.

gnomAD v4.1: 6 of 1,613,870 alleles (0.00037%); highest among the groups gnomAD compares: Non-Finnish European, 0.00051%; no homozygotes.

Submissions (2):

Laboratory for Molecular Medicine, Mass General Brigham Personalized Medicine
Classification: Uncertain significance. Last evaluated: 2011-12-13. Review status: criteria provided, single submitter. Criteria: LMM Criteria. Collection method: clinical testing. Allele origin: germline. Observed: 1 variant allele.
Comment: The His574Pro variant in MYO7A has not been reported in the literature nor previ ously identified by our laboratory. Computational analyses (biochemical amino ac id properties, homology, PolyPhen2, SIFT, AlignGVGD) do not provide strong suppo rt for or against pathogenicity. In summary, the clinical significance of this v ariant cannot be determined with certainty at this time.

Counsyl
Classification: Uncertain significance for Usher syndrome type 1; Autosomal recessive nonsyndromic hearing loss 2. Last evaluated: 2018-04-03. Review status: no assertion criteria provided. Collection method: clinical testing. Allele origin: unknown. Not counted in ClinVar's aggregate classification.

NM_000260.4(MYO7A):c.1721A>C (p.His574Pro)

Gene: MYO7A (myosin VIIA; plus strand). Cytogenetic location: 11q13.5.
Variant type: single nucleotide variant.
Coding change: c.1721A>C on transcript NM_000260.4 (MANE Select); coding-DNA position 1721, A replaced by C.
Protein change: p.His574Pro; replaces histidine 574 with proline.
Molecular consequence: missense variant.
Genome position (GRCh38, 1-based): chr11:77,166,086, A>C. VCF-style: chr11-77166086-A-C. GRCh37 (hg19) VCF-style: chr11-76877132-A-C.
Other names: c.1721A>C, p.His574Pro (NM_001127180.2); c.1688A>C, p.His563Pro (NM_001369365.1); short protein forms H574P, H563P.
Identifiers: ClinVar variation 43156 (VCV000043156.6), dbSNP rs397516287, ClinGen allele CA132217.